The following is an entry in ClinVar:

NM_004171.4(SLC1A2):c.1506T>A (p.Asp502Glu)

Gene: SLC1A2 (solute carrier family 1 member 2; minus strand). Cytogenetic location: 11p13.
Variant type: single nucleotide variant.
Coding change: c.1506T>A on transcript NM_004171.4 (MANE Select); coding-DNA position 1506, T replaced by A.
Protein change: p.Asp502Glu; replaces aspartic acid 502 with glutamic acid.
Molecular consequence: missense variant.
Genome position (GRCh38, 1-based): chr11:35,265,674, A>T on the plus strand (T>A on the coding strand, the complement: SLC1A2 is on the minus strand). VCF-style: chr11-35265674-A-T. GRCh37 (hg19) VCF-style: chr11-35287221-A-T.
Other names: c.1479T>A, p.Asp493Glu (NM_001195728.3, NM_001252652.2); short protein forms D493E, D502E.
Identifiers: ClinVar variation 1410019 (VCV001410019.8), dbSNP rs779155068, ClinGen allele CA5947067.

ClinVar aggregate classification (germline): Uncertain significance (1 of 4 stars; one submission).

Allele frequency attached by ClinVar (database versions not stated): ExAC 0.00001; gnomAD exomes 0.00001 and 0.00002; TOPMed 0.00001.
gnomAD v4.1: 6 of 1,613,484 alleles (0.00037%); highest among the groups gnomAD compares: Admixed American, 0.0067%; no homozygotes.

Submission:

Labcorp Genetics (formerly Invitae), Labcorp
Classification: Uncertain significance. Last evaluated: 2024-09-01. Review status: criteria provided, single submitter. Criteria: Invitae Variant Classification Sherloc (09022015). Collection method: clinical testing. Allele origin: germline.
Comment: This sequence change replaces aspartic acid, which is acidic and polar, with glutamic acid, which is acidic and polar, at codon 502 of the SLC1A2 protein (p.Asp502Glu). This variant is present in population databases (rs779155068, gnomAD 0.01%). This variant has not been reported in the literature in individuals affected with SLC1A2-related conditions. ClinVar contains an entry for this variant (Variation ID: 1410019). Invitae Evidence Modeling of protein sequence and biophysical properties (such as structural, functional, and spatial information, amino acid conservation, physicochemical variation, residue mobility, and thermodynamic stability) indicates that this missense variant is not expected to disrupt SLC1A2 protein function with a negative predictive value of 80%. In summary, the available evidence is currently insufficient to determine the role of this variant in disease. Therefore, it has been classified as a Variant of Uncertain Significance.